The following is an entry in ClinVar:

NM_000179.3(MSH6):c.958C>T (p.Pro320Ser)

Gene: MSH6 (mutS homolog 6; plus strand). Cytogenetic location: 2p16.3.
Variant type: single nucleotide variant.
Coding change: c.958C>T on transcript NM_000179.3 (MANE Select); coding-DNA position 958, C replaced by T.
Protein change: p.Pro320Ser; replaces proline 320 with serine.
Molecular consequence: missense variant.
Genome position (GRCh38, 1-based): chr2:47,798,941, C>T. VCF-style: chr2-47798941-C-T. GRCh37 (hg19) VCF-style: chr2-48026080-C-T.
Other names: c.568C>T, p.Pro190Ser (NM_001281492.2); c.52C>T, p.Pro18Ser (NM_001281493.2, NM_001281494.2); short protein forms P320S, P18S, P190S.
Identifiers: ClinVar variation 237217 (VCV000237217.13), dbSNP rs754879198, ClinGen allele CA10582042.

ClinVar aggregate classification (germline): Uncertain significance. Review status: criteria provided, multiple submitters, no conflicts (2 of 4 stars). 4 submissions from 4 submitters: Uncertain significance (4). Last evaluated 2025-05-14.

Conditions:
Hereditary nonpolyposis colorectal neoplasms. Identifiers: MedGen C0009405, MeSH D003123.
Hereditary cancer-predisposing syndrome. Also called: Hereditary neoplastic syndrome; Hereditary Cancer Syndrome; Neoplastic Syndromes, Hereditary; Tumor predisposition. Identifiers: Orphanet 140162, MedGen C0027672, MeSH D009386, MONDO:0015356.
Lynch syndrome. Identifiers: Orphanet 144, MedGen C4552100, MONDO:0005835. Disease mechanism: loss of function.

Submissions (4):

Labcorp Genetics (formerly Invitae), Labcorp
Classification: Uncertain significance for Hereditary nonpolyposis colorectal neoplasms. Last evaluated: 2025-05-14. Review status: criteria provided, single submitter. Criteria: Invitae Variant Classification Sherloc (09022015). Collection method: clinical testing. Allele origin: germline.
Comment: This sequence change replaces proline, which is neutral and non-polar, with serine, which is neutral and polar, at codon 320 of the MSH6 protein (p.Pro320Ser). This variant is not present in population databases (gnomAD no frequency). This variant has not been reported in the literature in individuals affected with MSH6-related conditions. ClinVar contains an entry for this variant (Variation ID: 237217). Invitae Evidence Modeling of protein sequence and biophysical properties (such as structural, functional, and spatial information, amino acid conservation, physicochemical variation, residue mobility, and thermodynamic stability) indicates that this missense variant is not expected to disrupt MSH6 protein function with a negative predictive value of 95%. In summary, the available evidence is currently insufficient to determine the role of this variant in disease. Therefore, it has been classified as a Variant of Uncertain Significance.

All of Us Research Program, National Institutes of Health
Classification: Uncertain significance for Lynch syndrome. Last evaluated: 2023-08-15. Review status: criteria provided, single submitter. Criteria: ACMG Guidelines, 2015. Collection method: clinical testing. Allele origin: germline. Inheritance: Autosomal dominant inheritance. Observed: 1 variant allele, 1 heterozygote.
Comment: This missense variant replaces proline with serine at codon 320 of the MSH6 protein. Computational prediction suggests that this variant may not impact protein structure and function (internally defined REVEL score threshold <= 0.5, PMID: 27666373). To our knowledge, functional studies have not been reported for this variant. This variant has not been reported in individuals affected with hereditary cancer in the literature. This variant has not been identified in the general population by the Genome Aggregation Database (gnomAD). The available evidence is insufficient to determine the role of this variant in disease conclusively. Therefore, this variant is classified as a Variant of Uncertain Significance.

This study involves interpretation of variants in research participants for the purpose of population health screening. Participant phenotype was not available at the time of variant classification. Additional details can be found in publication PMID: 35346344, PMCID: PMC8962531

Ambry Genetics
Classification: Uncertain significance for Hereditary cancer-predisposing syndrome. Last evaluated: 2022-09-25. Review status: criteria provided, single submitter. Criteria: Ambry Variant Classification Scheme 2023. Collection method: clinical testing. Allele origin: germline.
Comment: The p.P320S variant (also known as c.958C>T), located in coding exon 4 of the MSH6 gene, results from a C to T substitution at nucleotide position 958. The proline at codon 320 is replaced by serine, an amino acid with similar properties. This amino acid position is conserved. In addition, this alteration is predicted to be tolerated by in silico analysis. Since supporting evidence is limited at this time, the clinical significance of this alteration remains unclear.

Color Diagnostics, LLC DBA Color Health
Classification: Uncertain significance for Hereditary cancer-predisposing syndrome. Last evaluated: 2022-05-31. Review status: criteria provided, single submitter. Criteria: ACMG Guidelines, 2015. Collection method: clinical testing. Allele origin: germline.
Comment: This missense variant replaces proline with serine at codon 320 of the MSH6 protein. Computational prediction suggests that this variant may not impact protein structure and function (internally defined REVEL score threshold <= 0.5, PMID: 27666373). To our knowledge, functional studies have not been reported for this variant. This variant has not been reported in individuals affected with hereditary cancer in the literature. This variant has not been identified in the general population by the Genome Aggregation Database (gnomAD). The available evidence is insufficient to determine the role of this variant in disease conclusively. Therefore, this variant is classified as a Variant of Uncertain Significance.